The following is an entry in ClinVar:

ClinVar aggregate classification (germline): Uncertain significance (1 of 4 stars; one submission).

Submission:

GeneDx
Classification: Uncertain significance. Last evaluated: 2025-03-07. Review status: criteria provided, single submitter. Criteria: GeneDx Variant Classification Process June 2021. Collection method: clinical testing. Allele origin: germline. Affected: yes.
Comment: Not observed at significant frequency in large population cohorts (gnomAD); In silico analysis supports that this missense variant has a deleterious effect on protein structure/function; Has not been previously published as pathogenic or benign to our knowledge

NM_052867.4(NALCN):c.1754T>C (p.Phe585Ser)

Gene: NALCN (sodium leak channel, non-selective; minus strand). Cytogenetic location: 13q33.1.
Variant type: single nucleotide variant.
Coding change: c.1754T>C on transcript NM_052867.4 (MANE Select); coding-DNA position 1754, T replaced by C.
Protein change: p.Phe585Ser; replaces phenylalanine 585 with serine.
Molecular consequence: missense variant.
Genome position (GRCh38, 1-based): chr13:101,191,927, A>G on the plus strand (T>C on the coding strand, the complement: NALCN is on the minus strand). VCF-style: chr13-101191927-A-G. GRCh37 (hg19) VCF-style: chr13-101844278-A-G.
Other names: c.1754T>C, p.Phe585Ser (NM_001350748.2, NM_001350749.2); c.1667T>C, p.Phe556Ser (NM_001350750.2, NM_001350751.2); short protein forms F556S, F585S.
Identifiers: ClinVar variation 4083123 (VCV004083123.1).
Genomic context (GRCh38, chr13:101,191,927, plus strand): 5'-ATCCCATTATAAATTCCAAGATATAATTGAAAAAAAAATGCTGAACTCACCAGAGTGGCA[A>G]AAAGATGATAGAGAATGAAATAGATGGCAACCACGGGTGCCCACATATGTCCCACAGCAT-3'
Protein context (NP_443099.1, residues 575-595): VAIYFILYHL[Phe585Ser]ATLILLSLFV